The following is an entry in ClinVar:

NM_024675.4(PALB2):c.995T>A (p.Leu332His)

Gene: PALB2 (partner and localizer of BRCA2; minus strand). Cytogenetic location: 16p12.2.
Variant type: single nucleotide variant.
Coding change: c.995T>A on transcript NM_024675.4 (MANE Select); coding-DNA position 995, T replaced by A.
Protein change: p.Leu332His; replaces leucine 332 with histidine.
Molecular consequence: missense variant.
Genome position (GRCh38, 1-based): chr16:23,635,551, A>T on the plus strand (T>A on the coding strand, the complement: PALB2 is on the minus strand). VCF-style: chr16-23635551-A-T. GRCh37 (hg19) VCF-style: chr16-23646872-A-T.
Other names: short protein forms L332H.
Identifiers: ClinVar variation 143019 (VCV000143019.54), dbSNP rs377149139, ClinGen allele CA170038.
Genomic context (GRCh38, chr16:23,635,551, plus strand): 5'-TCTGTTTGATTTTGTTCTTTTAAGTTTTGGTTTTCATTTGCTGGTAAGTTATTGTAGGTG[A>T]GTTCATTTAGAGAACATGAAATATTTGCCTCTAAATTAGAACTTGTGGGCAGTTGGCCAC-3'
Protein context (NP_078951.2, residues 322-342): EANISCSLNE[Leu332His]TYNNLPANEN

ClinVar aggregate classification (germline): Conflicting classifications of pathogenicity. Review status: criteria provided, conflicting classifications (1 of 4 stars). 16 submissions from 16 submitters: Uncertain significance (9); Likely benign (4). 3 of the submissions do not count toward it. Last evaluated 2026-01-23.

Conditions:
PALB2-related cancer predisposition. Identifiers: MedGen CN377761, MONDO:0700272.
Hereditary cancer-predisposing syndrome. Also called: Hereditary neoplastic syndrome; Neoplastic Syndromes, Hereditary; Tumor predisposition; Hereditary Cancer Syndrome. Identifiers: Orphanet 140162, MedGen C0027672, MeSH D009386, MONDO:0015356.
Familial cancer of breast. Also called: hereditary breast carcinoma; BREAST CANCER, FAMILIAL; Hereditary breast cancer. Identifiers: Orphanet 227535, MedGen C0346153, MONDO:0016419, OMIM 114480. Disease mechanism: loss of function.
Malignant tumor of breast. Also called: Malignant breast neoplasm; Cancer breast. Identifiers: MedGen C0006142, MONDO:0007254. Disease mechanism: loss of function.

Allele frequency attached by ClinVar (database versions not stated): gnomAD 0.00002 and 0.00003; TOPMed 0.00002; ESP Exome Variant Server 0.00008.
gnomAD v4.1: 21 of 1,612,968 alleles (0.0013%); highest among the groups gnomAD compares: South Asian, 0.0022%; no homozygotes.

Submissions (16):

Labcorp Genetics (formerly Invitae), Labcorp
Classification: Likely benign for Familial cancer of breast. Last evaluated: 2026-01-23. Review status: criteria provided, single submitter. Criteria: Invitae Variant Classification Sherloc (09022015). Collection method: clinical testing. Allele origin: germline.

Revvity Omics, Revvity
Classification: Uncertain significance. Last evaluated: 2025-06-16. Review status: criteria provided, single submitter. Criteria: ACMG Guidelines, 2015. Collection method: clinical testing. Allele origin: germline.

Hema, HEMA – Genetic and Molecular Diagnostic Laboratory
Classification: Uncertain significance for PALB2-related cancer predisposition. Last evaluated: 2025-05-28. Review status: criteria provided, single submitter. Criteria: HEMA Variant Classification Assertion Criteria. Collection method: clinical testing. Allele origin: germline.
Comment: It is a transversion from adenine to thymine, resulting in the substitution of leucine 332 with histidine in the PALB2 protein. BP1: Missense variant in PALB2, a gene in which pathogenic variants are primarily truncating variants, according to the Hereditary Breast, Ovarian and Pancreatic Cancer Variant Curation Expert Panel of ClinGen.

CeGaT Center for Human Genetics Tuebingen
Classification: Likely benign. Last evaluated: 2025-02-01. Review status: criteria provided, single submitter. Criteria: CeGaT Center For Human Genetics Tuebingen Variant Classification Criteria Version 2. Collection method: clinical testing. Allele origin: germline. Affected: yes. Observed: 1 variant allele.
Comment: PALB2: BP4

GeneDx
Classification: Uncertain significance. Last evaluated: 2024-12-04. Review status: criteria provided, single submitter. Criteria: GeneDx Variant Classification Process June 2021. Collection method: clinical testing. Allele origin: germline. Affected: yes.
Comment: Not observed at significant frequency in large population cohorts (gnomAD); In silico analysis supports that this missense variant has a deleterious effect on protein structure/function; This variant is associated with the following publications: (PMID: 35402282, 25186627, 35451682)

Ambry Genetics
Classification: Likely benign for Hereditary cancer-predisposing syndrome. Last evaluated: 2024-11-21. Review status: criteria provided, single submitter. Criteria: Ambry Variant Classification Scheme 2023. Collection method: clinical testing. Allele origin: germline.

Blueprint Genetics
Classification: Uncertain significance. Last evaluated: 2024-06-12. Review status: criteria provided, single submitter. Criteria: ACMG Guidelines, 2015. Collection method: clinical testing. Allele origin: germline.

Baylor Genetics
Classification: Uncertain significance for Familial cancer of breast. Last evaluated: 2024-03-27. Review status: criteria provided, single submitter. Criteria: ACMG Guidelines, 2015. Collection method: clinical testing. Allele origin: unknown.

Quest Diagnostics Nichols Institute San Juan Capistrano
Classification: Uncertain significance. Last evaluated: 2023-08-08. Review status: criteria provided, single submitter. Criteria: Quest Diagnostics criteria. Collection method: clinical testing. Allele origin: unknown.
Comment: In the published literature, this variant has been reported in individuals with breast cancer (PMID: 25186627 (2015), 32885271 (2021)). This variant has also been reported in unaffected cancer free individuals (PMID: 32658311 (2021), 33471991 (2021), see also LOVD). The frequency of this variant in the general population, 0.000035 (4/113452 chromosomes (Genome Aggregation Database)), is uninformative in the assessment of its pathogenicity. Analysis of this variant using bioinformatics tools for the prediction of the effect of amino acid changes on protein structure and function yielded predictions that this variant is benign. Based on the available information, we are unable to determine the clinical significance of this variant.

KCCC/NGS Laboratory, Kuwait Cancer Control Center
Classification: Uncertain significance for Familial cancer of breast. Last evaluated: 2023-06-14. Review status: criteria provided, single submitter. Criteria: ACMG Guidelines, 2015. Collection method: clinical testing. Allele origin: unknown. Inheritance: Autosomal dominant inheritance. Affected: yes. Observed: 1 heterozygote.
Comment: a variant of uncertain significance was detected in the PALB2 gene (c.995T>A).This missense variant replaces leucine with histidine at codon 332 of the PALB2 protein.ClinVar contains an entry for this variant (Variation ID: 143019) with five submitter as uncertain significant .This variant has also been identified in 5/250756 chromosomes in the general population by the Genome Aggregation Database (gnomAD). Computational prediction suggests that this variant may not impact protein structure and function . This variant has been reported in individuals affected with breast cancer (PMID: 35402282, 25186627). This variant has also been identified in 5/250756 chromosomes in the general population by the Genome Aggregation Database (gnomAD). The available evidence is insufficient to determine the role of this variant in disease conclusively. Therefore, this variant is classified as a Variant of Uncertain Significance.

Color Diagnostics, LLC DBA Color Health
Classification: Uncertain significance for Hereditary cancer-predisposing syndrome. Last evaluated: 2023-06-01. Review status: criteria provided, single submitter. Criteria: ACMG Guidelines, 2015. Collection method: clinical testing. Allele origin: germline.
Comment: This missense variant replaces leucine with histidine at codon 332 of the PALB2 protein. Computational prediction suggests that this variant may not impact protein structure and function (internally defined REVEL score threshold <= 0.5, PMID: 27666373). To our knowledge, functional studies have not been reported for this variant. This variant has been identified in 5/250756 chromosomes in the general population by the Genome Aggregation Database (gnomAD). The available evidence is insufficient to determine the role of this variant in disease conclusively. Therefore, this variant is classified as a Variant of Uncertain Significance.

Myriad Genetics, Inc.
Classification: Likely benign for Familial cancer of breast. Last evaluated: 2023-03-30. Review status: criteria provided, single submitter. Criteria: Myriad Autosomal Dominant, Autosomal Recessive and X-Linked Classification Criteria (2023). Collection method: clinical testing. Allele origin: unknown.
Comment: This variant is considered likely benign. This variant is strongly associated with less severe personal and family histories of cancer, typical for individuals without pathogenic variants in this gene [PMID: 25085752].

Women's Health and Genetics/Laboratory Corporation of America, LabCorp
Classification: Uncertain significance. Last evaluated: 2017-04-06. Review status: criteria provided, single submitter. Criteria: LabCorp Variant Classification Summary - May 2015. Collection method: clinical testing. Allele origin: germline.
Comment: Variant summary: The PALB2 c.995T>A (p.Leu332His) variant located in the Partner and localiser of BRCA2, WD40 domain (via InterPro) involves the alteration of a non-conserved nucleotide and 2/4 in silico tools (SNPs&GO not captured due to low reliability index) predict a benign outcome, although these predictions have yet to be functionally assessed. The variant of interest was observed in the large, broad control population, ExAC, with an allele frequency of 5/121190 (1/24213), which does not exceed the estimated maximal expected allele frequency for a pathogenic PALB2 variant of 1/6397. A publication cites the variant in an affected indivdiual, although with limited information. In addition, multiple clinical diagnostic laboratories/reputable databases classified this variant as uncertain significance. Therefore, until additional information becomes available (ie, clinical and functional studies), the variant of interest has been classified as a "Variant of Uncertain Significance (VUS)."

Leiden Open Variation Database
Classification: Uncertain significance for Familial cancer of breast. Last evaluated: 2019-05-13. Review status: no assertion criteria provided. Collection method: curation. Allele origin: germline. Affected: no. Not counted in ClinVar's aggregate classification.
Comment: Curators: Marc Tischkowitz, Arleen D. Auerbach. Submitters to LOVD: Andreas Laner, Marc Tischkowitz.

Counsyl
Classification: Uncertain significance for Familial cancer of breast. Last evaluated: 2016-05-11. Review status: no assertion criteria provided. Collection method: clinical testing. Allele origin: unknown. Not counted in ClinVar's aggregate classification.

Department of Pathology and Laboratory Medicine, Sinai Health System
Classification: Uncertain significance for Malignant tumor of breast. Review status: no assertion criteria provided. Collection method: clinical testing. Allele origin: unknown. Affected: yes. Study: The Canadian Open Genetics Repository (COGR). Not counted in ClinVar's aggregate classification.
Comment: The PALB2 p.Leu332His variant was identified in 1 of 3562 proband chromosomes (frequency: 0.0003) from individuals or families with breast cancer (Tung 2015). The variant was also identified in dbSNP (ID: rs377149139) as "With Uncertain significance allele", ClinVar (classified as uncertain significance by Invitae, Ambry Genetics, GeneDx, Counsyl, Color and Integrated Genetics/Laboratory Corporation of America), and in LOVD 3.0 (1x). The variant was not identified in Cosmic, MutDB, or the Zhejiang University database. The variant was identified in control databases in 6 of 245638 chromosomes at a frequency of 0.00002 (Genome Aggregation Database Feb 27, 2017). The variant was observed in the following populations: European in 5 of 111432 chromosomes (freq: 0.00005), and South Asian in 1 of 30658 chromosomes (freq: 0.00003); it was not observed in the African, Other, Latino, Ashkenazi Jewish, East Asian, or Finnish populations. The p.Leu332 residue is not conserved in mammals and four out of five computational analyses (PolyPhen-2, SIFT, AlignGVGD, BLOSUM, MutationTaster) do not suggest a high likelihood of impact to the protein; however, this information is not predictive enough to rule out pathogenicity. The variant occurs outside of the splicing consensus sequence and in silico or computational prediction software programs (SpliceSiteFinder, MaxEntScan, NNSPLICE, GeneSplicer) do not predict a difference in splicing. In summary, based on the above information the clinical significance of this variant cannot be determined with certainty at this time. This variant is classified as a variant of uncertain significance.

Literature cited by the submitters: PubMed 32658311 (cited by Ambry Genetics and Quest Diagnostics Nichols Institute San Juan Capistrano); PubMed 32885271 (cited by Ambry Genetics and Quest Diagnostics Nichols Institute San Juan Capistrano); PubMed 33471991 (cited by Quest Diagnostics Nichols Institute San Juan Capistrano and Color Diagnostics, LLC DBA Color Health); PubMed 25186627 (cited by 5 submitters); PubMed 35451682 (cited by Quest Diagnostics Nichols Institute San Juan Capistrano); PubMed 25085752 (cited by Myriad Genetics, Inc.).